The following is an entry in ClinVar:

NM_000321.3(RB1):c.1889del (p.Thr630fs)

Gene: RB1 (RB transcriptional corepressor 1; plus strand). Cytogenetic location: 13q14.2.
Variant type: Deletion.
Coding change: c.1889del on transcript NM_000321.3 (MANE Select); coding-DNA position 1889, one base deleted (C; older notation c.1889delC).
Protein change: p.Thr630fs; shifts the reading frame from threonine 630.
Molecular consequence: frameshift variant.
Genome position (GRCh38, 1-based): chr13:48,456,278, C deleted. VCF-style (leftmost placement, unchanged base first): chr13-48456277-AC-A. GRCh37 (hg19) VCF-style: chr13-49030413-AC-A.
Other names: c.1889del, p.Thr630fs (NM_001407165.1); short protein forms T630fs.
Identifiers: ClinVar variation 3237037 (VCV003237037.1), dbSNP rs2542364154.

ClinVar aggregate classification (germline): Pathogenic (1 of 4 stars; one submission).

Conditions:
Retinoblastoma (RB1). Also called: RETINOBLASTOMA, SOMATIC. Identifiers: Orphanet 790, MedGen C0035335, MeSH D012175, MONDO:0008380, OMIM 180200, HP:0009919. Disease mechanism: loss of function. Inheritance: Both sporadic and heritable forms are tested..

Submission:

Genetic Diagnostic Laboratory, University of Pennsylvania School of Medicine
Classification: Pathogenic for Retinoblastoma. Last evaluated: 2024-05-20. Review status: criteria provided, single submitter. Criteria: ACMG Guidelines, 2015. Collection method: clinical testing. Allele origin: germline. Affected: yes. Observed: 1 variant allele.
Comment: Case and Pedigree Information: BILATERAL CASES:1, UNILATERAL CASES:0, TOTAL CASES:1, PEDIGREES:1. ACMG Codes Applied:PVS1, PM2